The following is an entry in ClinVar:

NM_001165963.4(SCN1A):c.3068del (p.Val1023fs)

Gene: SCN1A (sodium voltage-gated channel alpha subunit 1; minus strand). Cytogenetic location: 2q24.3.
Variant type: Deletion.
Coding change: c.3068del on transcript NM_001165963.4 (MANE Select); coding-DNA position 3068, one base deleted (T; older notation c.3068delT).
Protein change: p.Val1023fs; shifts the reading frame from valine 1023.
Molecular consequence: frameshift variant. On other transcripts: non-coding transcript variant (1).
Genome position (GRCh38, 1-based): chr2:166,036,409, A deleted on the plus strand (T on the coding strand, the reverse complement: SCN1A is on the minus strand). VCF-style (leftmost placement, unchanged base first): chr2-166036408-TA-T. GRCh37 (hg19) VCF-style: chr2-166892918-TA-T.
Other names: c.2984del, p.Val995fs (NM_001165964.3, NM_001353957.2, NM_001353958.2); c.3068del, p.Val1023fs (NM_001202435.3, NM_001353948.2); c.3035del, p.Val1012fs (NM_001353949.2, NM_001353950.2, NM_001353951.2 and 2 more transcripts); c.3032del, p.Val1011fs (NM_001353954.2, NM_001353955.2); c.2981del, p.Val994fs (NM_001353960.2); c.626del, p.Val209fs (NM_001353961.2); short protein forms V1011fs, V1012fs, V1023fs, V209fs, V994fs, V995fs.
Identifiers: ClinVar variation 2429391 (VCV002429391.3), dbSNP rs2468080032, ClinGen allele CA2580064337.

ClinVar aggregate classification (germline): Pathogenic (1 of 4 stars; one submission).

Submission:

Illumina Laboratory Services, Illumina
Classification: Pathogenic. Last evaluated: 2022-09-26. Review status: criteria provided, single submitter. Criteria: ICSL CNVClassificationCriteria Aug2020. Collection method: clinical testing. Allele origin: unknown. Affected: yes.
Comment: The SCN1A c.3035del (p.Val1012GlufsTer4) variant results in the deletion of a nucleotide at position c.3035, causing a shift in the protein reading frame that is predicted to result in premature termination of the protein. Loss of normal protein function through either protein truncation or nonsense-mediated mRNA decay is expected. To our knowledge, this variant has not been reported in the peer-reviewed literature. This variant is not found in version 2.1.1 or version 3.1.2 of the Genome Aggregation Database. Based on the available evidence, the c.3035del (p.Val1012GlufsTer4) variant is classified as pathogenic for SCN1A seizure disorders.